The following is an entry in ClinVar:

NM_004974.4(KCNA2):c.806C>T (p.Thr269Ile)

Gene: KCNA2 (potassium voltage-gated channel subfamily A member 2; minus strand). Cytogenetic location: 1p13.3.
Variant type: single nucleotide variant.
Coding change: c.806C>T on transcript NM_004974.4 (MANE Select); coding-DNA position 806, C replaced by T.
Protein change: p.Thr269Ile; replaces threonine 269 with isoleucine.
Molecular consequence: missense variant.
Genome position (GRCh38, 1-based): chr1:110,603,977, G>A on the plus strand (C>T on the coding strand, the complement: KCNA2 is on the minus strand). VCF-style: chr1-110603977-G-A. GRCh37 (hg19) VCF-style: chr1-111146599-G-A.
Other names: c.806C>T, p.Thr269Ile (NM_001204269.2); short protein forms T269I.
Identifiers: ClinVar variation 1488713 (VCV001488713.6), dbSNP rs2101399201, ClinGen allele CA341603150.

ClinVar aggregate classification (germline): Uncertain significance (1 of 4 stars; one submission).

Conditions:
Developmental and epileptic encephalopathy, 32 (DEE32). Also called: Epileptic encephalopathy, early infantile, 32. Identifiers: Orphanet 442835, MedGen C4225350, MONDO:0014607, OMIM 616366.

Submission:

Labcorp Genetics (formerly Invitae), Labcorp
Classification: Uncertain significance for Developmental and epileptic encephalopathy, 32. Last evaluated: 2021-09-05. Review status: criteria provided, single submitter. Criteria: Invitae Variant Classification Sherloc (09022015). Collection method: clinical testing. Allele origin: germline.
Comment: In summary, the available evidence is currently insufficient to determine the role of this variant in disease. Therefore, it has been classified as a Variant of Uncertain Significance. Advanced modeling of protein sequence and biophysical properties (such as structural, functional, and spatial information, amino acid conservation, physicochemical variation, residue mobility, and thermodynamic stability) performed at Invitae indicates that this missense variant is expected to disrupt KCNA2 protein function. This variant has not been reported in the literature in individuals affected with KCNA2-related conditions. This variant is not present in population databases (ExAC no frequency). This sequence change replaces threonine with isoleucine at codon 269 of the KCNA2 protein (p.Thr269Ile). The threonine residue is highly conserved and there is a moderate physicochemical difference between threonine and isoleucine.